The following is an entry in ClinVar:

NM_138386.3(NAF1):c.974_976del (p.Gln325del)

Gene: NAF1 (nuclear assembly factor 1 ribonucleoprotein; minus strand). Cytogenetic location: 4q32.2.
Variant type: Deletion.
Coding change: c.974_976del on transcript NM_138386.3 (MANE Select); coding-DNA positions 974 to 976, 3 bases deleted (AGA; older notation c.974_976delAGA).
Protein change: p.Gln325del; deletes glutamine 325.
Genome position (GRCh38, 1-based): chr4:163,133,211-163,133,213, TCT deleted on the plus strand (AGA on the coding strand, the reverse complement: NAF1 is on the minus strand). VCF-style (leftmost placement, unchanged base first): chr4-163133210-CTCT-C. GRCh37 (hg19) VCF-style: chr4-164054362-CTCT-C.
Other names: c.974_976del, p.Gln325del (NM_001128931.2); short protein forms Q325del.
Identifiers: ClinVar variation 3729782 (VCV003729782.2).

ClinVar aggregate classification (germline): Uncertain significance (1 of 4 stars; one submission).

Submission:

Labcorp Genetics (formerly Invitae), Labcorp
Classification: Uncertain significance. Last evaluated: 2025-01-29. Review status: criteria provided, single submitter. Criteria: Invitae Variant Classification Sherloc (09022015). Collection method: clinical testing. Allele origin: germline.
Comment: This variant, c.974_976del, results in the deletion of 1 amino acid(s) of the NAF1 protein (p.Gln325del), but otherwise preserves the integrity of the reading frame. This variant is not present in population databases (gnomAD no frequency). This variant has not been reported in the literature in individuals affected with NAF1-related conditions. Experimental studies and prediction algorithms are not available or were not evaluated, and the functional significance of this variant is currently unknown. In summary, the available evidence is currently insufficient to determine the role of this variant in disease. Therefore, it has been classified as a Variant of Uncertain Significance.